The following is an entry in ClinVar:

ClinVar aggregate classification (germline): Uncertain significance (1 of 4 stars; one submission).

Conditions:
Inborn genetic diseases. Identifiers: MedGen C0950123, MeSH D030342.

gnomAD v4.1: 1 of 1,612,628 alleles (0.000062%); highest among the groups gnomAD compares: Non-Finnish European, 0.000085%; no homozygotes.

Submission:

Ambry Genetics
Classification: Uncertain significance for Inborn genetic diseases. Last evaluated: 2025-02-06. Review status: criteria provided, single submitter. Criteria: Ambry Variant Classification Scheme 2023. Collection method: clinical testing. Allele origin: germline.
Comment: The p.D1091Y variant (also known as c.3271G>T), located in coding exon 31 of the RTEL1 gene, results from a G to T substitution at nucleotide position 3271. The aspartic acid at codon 1091 is replaced by tyrosine, an amino acid with highly dissimilar properties. This amino acid position is conserved. In addition, the in silico prediction for this alteration is inconclusive. Based on the available evidence, the clinical significance of this variant remains unclear.

NM_001283009.2(RTEL1):c.3271G>T (p.Asp1091Tyr)

Genes: RTEL1 (regulator of telomere elongation helicase 1; plus strand), RTEL1-TNFRSF6B (RTEL1-TNFRSF6B readthrough (NMD candidate); plus strand). Cytogenetic location: 20q13.33.
Variant type: single nucleotide variant.
Coding change: c.3271G>T on transcript NM_001283009.2 (MANE Select); coding-DNA position 3271, G replaced by T.
Protein change: p.Asp1091Tyr; replaces aspartic acid 1091 with tyrosine.
Molecular consequence: missense variant. On other transcripts: non-coding transcript variant (1).
Genome position (GRCh38, 1-based): chr20:63,694,902, G>T. VCF-style: chr20-63694902-G-T. GRCh37 (hg19) VCF-style: chr20-62326255-G-T.
Other names: c.2602G>T, p.Asp868Tyr (NM_001283010.1); c.3271G>T, p.Asp1091Tyr (NM_016434.4); c.3343G>T, p.Asp1115Tyr (NM_032957.5); short protein forms D1115Y, D1091Y, D868Y.
Identifiers: ClinVar variation 3791120 (VCV003791120.1).